The following is an entry in ClinVar:

ClinVar aggregate classification (germline): Conflicting classifications of pathogenicity. Review status: criteria provided, conflicting classifications (1 of 4 stars). 4 submissions from 4 submitters: Uncertain significance (3); Benign (1). Last evaluated 2025-10-23.

Conditions:
Bethlem myopathy 1A. Also called: MYOPATHY, BENIGN CONGENITAL, WITH CONTRACTURES; Bethlem myopathy 1; Bethlem Muscular Dystrophy. Identifiers: Orphanet 610, MedGen CN029274, MONDO:0024530, OMIM 158810.

Allele frequency attached by ClinVar (database versions not stated): gnomAD exomes 0.00006; gnomAD 0.00009 and 0.00011; TOPMed 0.00011; ExAC 0.00012; ESP Exome Variant Server 0.00024.

Submissions (4):

Labcorp Genetics (formerly Invitae), Labcorp
Classification: Benign for Bethlem myopathy 1A. Last evaluated: 2025-10-23. Review status: criteria provided, single submitter. Criteria: Invitae Variant Classification Sherloc (09022015). Collection method: clinical testing. Allele origin: germline.

Revvity Omics, Revvity
Classification: Uncertain significance. Last evaluated: 2024-09-16. Review status: criteria provided, single submitter. Criteria: ACMG Guidelines, 2015. Collection method: clinical testing. Allele origin: germline.

GeneDx
Classification: Uncertain significance. Last evaluated: 2021-09-14. Review status: criteria provided, single submitter. Criteria: GeneDx Variant Classification Process June 2021. Collection method: clinical testing. Allele origin: germline. Affected: yes.
Comment: Reported as a variant of uncertain significance in an individual with suspected limb-girdle muscular dystrophy in published literature (Nallamilli et al., 2018); In silico analysis supports that this missense variant has a deleterious effect on protein structure/function; This variant is associated with the following publications: (PMID: 30564623)

Eurofins Ntd Llc (ga)
Classification: Uncertain significance. Last evaluated: 2017-01-26. Review status: criteria provided, single submitter. Criteria: EGL Classification Definitions 2015. Collection method: clinical testing. Allele origin: germline. Observed: 3 variant alleles, 3 heterozygotes.

NM_001848.3(COL6A1):c.593C>T (p.Pro198Leu)

Gene: COL6A1 (collagen type VI alpha 1 chain; plus strand). Cytogenetic location: 21q22.3.
Variant type: single nucleotide variant.
Coding change: c.593C>T on transcript NM_001848.3 (MANE Select); coding-DNA position 593, C replaced by T.
Protein change: p.Pro198Leu; replaces proline 198 with leucine.
Molecular consequence: missense variant.
Genome position (GRCh38, 1-based): chr21:45,986,948, C>T. VCF-style: chr21-45986948-C-T. GRCh37 (hg19) VCF-style: chr21-47406862-C-T.
Other names: short protein forms P198L.
Identifiers: ClinVar variation 500103 (VCV000500103.15), dbSNP rs199867193, ClinGen allele CA10069629.